The following is an entry in ClinVar:

NM_000245.4(MET):c.1283A>G (p.Asp428Gly)

Gene: MET (MET proto-oncogene, receptor tyrosine kinase; plus strand). Cytogenetic location: 7q31.2.
Variant type: single nucleotide variant.
Coding change: c.1283A>G on transcript NM_000245.4 (MANE Select); coding-DNA position 1283, A replaced by G.
Protein change: p.Asp428Gly; replaces aspartic acid 428 with glycine.
Molecular consequence: missense variant. On other transcripts: 5 prime UTR variant (1).
Genome position (GRCh38, 1-based): chr7:116,731,750, A>G. VCF-style: chr7-116731750-A-G. GRCh37 (hg19) VCF-style: chr7-116371804-A-G.
Other names: c.1283A>G, p.Asp428Gly (NM_001127500.3, NM_001324401.3); c.-8A>G (NM_001324402.2); short protein forms D428G.
Identifiers: ClinVar variation 2858170 (VCV002858170.4), dbSNP rs2116781400, ClinGen allele CA368972841.

ClinVar aggregate classification (germline): Uncertain significance. Review status: criteria provided, multiple submitters, no conflicts (2 of 4 stars). 2 submissions from 2 submitters: Uncertain significance (2). Last evaluated 2025-12-01.

Conditions:
Hereditary cancer-predisposing syndrome. Also called: Neoplastic Syndromes, Hereditary; Hereditary neoplastic syndrome; Tumor predisposition; Hereditary Cancer Syndrome. Identifiers: Orphanet 140162, MedGen C0027672, MeSH D009386, MONDO:0015356.
Renal cell carcinoma. Identifiers: Orphanet 217071, MedGen C0007134, MeSH D002292, MONDO:0005086, HP:0005584.

Allele frequency attached by ClinVar (database versions not stated): gnomAD exomes below 0.00001.
gnomAD v4.1: 2 of 1,614,126 alleles (0.00012%); highest among the groups gnomAD compares: Non-Finnish European, 0.00017%; no homozygotes.

Submissions (2):

Ambry Genetics
Classification: Uncertain significance for Hereditary cancer-predisposing syndrome. Last evaluated: 2025-12-01. Review status: criteria provided, single submitter. Criteria: Ambry Variant Classification Scheme 2023. Collection method: clinical testing. Allele origin: germline.
Comment: The p.D428G variant (also known as c.1283A>G), located in coding exon 2 of the MET gene, results from an A to G substitution at nucleotide position 1283. The aspartic acid at codon 428 is replaced by glycine, an amino acid with similar properties. This amino acid position is highly conserved in available vertebrate species. In addition, the in silico prediction for this alteration is inconclusive. Based on the available evidence, the clinical significance of this variant remains unclear.

Labcorp Genetics (formerly Invitae), Labcorp
Classification: Uncertain significance for Renal cell carcinoma. Last evaluated: 2023-11-30. Review status: criteria provided, single submitter. Criteria: Invitae Variant Classification Sherloc (09022015). Collection method: clinical testing. Allele origin: germline.
Comment: This sequence change replaces aspartic acid, which is acidic and polar, with glycine, which is neutral and non-polar, at codon 428 of the MET protein (p.Asp428Gly). This variant is not present in population databases (gnomAD no frequency). This variant has not been reported in the literature in individuals affected with MET-related conditions. Advanced modeling of protein sequence and biophysical properties (such as structural, functional, and spatial information, amino acid conservation, physicochemical variation, residue mobility, and thermodynamic stability) performed at Invitae indicates that this missense variant is expected to disrupt MET protein function with a positive predictive value of 80%. In summary, the available evidence is currently insufficient to determine the role of this variant in disease. Therefore, it has been classified as a Variant of Uncertain Significance.